The following is an entry in ClinVar:

ClinVar aggregate classification (germline): Uncertain significance (1 of 4 stars; one submission).

Conditions:
RFT1-congenital disorder of glycosylation (CDG1N). Also called: Congenital disorder of glycosylation type In; RFT1-CDG; CDG In. Identifiers: Orphanet 244310, MedGen C2677590, MONDO:0012783, OMIM 612015.

Allele frequency attached by ClinVar (database versions not stated): gnomAD exomes below 0.00001.
gnomAD v4.1: 1 of 1,613,922 alleles (0.000062%); highest among the groups gnomAD compares: Non-Finnish European, 0.000085%; no homozygotes.

Submission:

Labcorp Genetics (formerly Invitae), Labcorp
Classification: Uncertain significance for RFT1-congenital disorder of glycosylation. Last evaluated: 2023-10-13. Review status: criteria provided, single submitter. Criteria: Invitae Variant Classification Sherloc (09022015). Collection method: clinical testing. Allele origin: germline.
Comment: This sequence change replaces serine, which is neutral and polar, with glycine, which is neutral and non-polar, at codon 164 of the RFT1 protein (p.Ser164Gly). This variant is not present in population databases (gnomAD no frequency). This variant has not been reported in the literature in individuals affected with RFT1-related conditions. ClinVar contains an entry for this variant (Variation ID: 1382267). Advanced modeling of protein sequence and biophysical properties (such as structural, functional, and spatial information, amino acid conservation, physicochemical variation, residue mobility, and thermodynamic stability) performed at Invitae indicates that this missense variant is not expected to disrupt RFT1 protein function. In summary, the available evidence is currently insufficient to determine the role of this variant in disease. Therefore, it has been classified as a Variant of Uncertain Significance.

NM_052859.4(RFT1):c.490A>G (p.Ser164Gly)

Gene: RFT1 (RFT1 glycolipid translocator homolog; minus strand). Cytogenetic location: 3p21.1.
Variant type: single nucleotide variant.
Coding change: c.490A>G on transcript NM_052859.4 (MANE Select); coding-DNA position 490, A replaced by G.
Protein change: p.Ser164Gly; replaces serine 164 with glycine.
Molecular consequence: missense variant.
Genome position (GRCh38, 1-based): chr3:53,121,767, T>C on the plus strand (A>G on the coding strand, the complement: RFT1 is on the minus strand). VCF-style: chr3-53121767-T-C. GRCh37 (hg19) VCF-style: chr3-53155783-T-C.
Other names: short protein forms S164G.
Identifiers: ClinVar variation 1382267 (VCV001382267.6), dbSNP rs2107162275, ClinGen allele CA353221292.
Genomic context (GRCh38, chr3:53,121,767, plus strand): 5'-AAGAGAAAATGTACAATCCCCAGTGAGGCAACCACAGCACGAGAAAAGCTGTCAGAACGC[T>C]CTTAAGAATTACCGACAGGCTCTCTGCAATCACCTGCAAACATGTGGTTAAGGTGCAGTT-3'
Protein context (NP_443091.1, residues 154-174): IAESLSVILK[Ser164Gly]VLTAFLVLWL